The following is an entry in ClinVar:

ClinVar aggregate classification (germline): Pathogenic/Likely pathogenic. Review status: criteria provided, multiple submitters, no conflicts (2 of 4 stars). 3 submissions from 3 submitters: Pathogenic (1); Likely pathogenic (1). 1 of the submissions does not count toward it. Last evaluated 2022-12-27.

Conditions:
Bardet-Biedl syndrome (BBS). Identifiers: Orphanet 110, MedGen C0752166, MONDO:0015229.
Bardet-Biedl syndrome 10 (BBS10). Identifiers: Orphanet 110, MedGen C1859568, MONDO:0014438, OMIM 615987.

Submissions (3):

Baylor Genetics
Classification: Likely pathogenic for Bardet-Biedl syndrome 10. Last evaluated: 2022-12-27. Review status: criteria provided, single submitter. Criteria: ACMG Guidelines, 2015. Collection method: clinical testing. Allele origin: unknown.

Labcorp Genetics (formerly Invitae), Labcorp
Classification: Pathogenic for Bardet-Biedl syndrome. Last evaluated: 2022-09-09. Review status: criteria provided, single submitter. Criteria: Invitae Variant Classification Sherloc (09022015). Collection method: clinical testing. Allele origin: germline.
Comment: ClinVar contains an entry for this variant (Variation ID: 371290). This variant has not been reported in the literature in individuals affected with BBS10-related conditions. This variant is not present in population databases (gnomAD no frequency). This sequence change creates a premature translational stop signal (p.Asp412Glufs*15) in the BBS10 gene. While this is not anticipated to result in nonsense mediated decay, it is expected to disrupt the last 312 amino acid(s) of the BBS10 protein. This variant disrupts a region of the BBS10 protein in which other variant(s) (p.Val707*) have been determined to be pathogenic (PMID: 20472660, 22773737, 25982971, 27486776). This suggests that this is a clinically significant region of the protein, and that variants that disrupt it are likely to be disease-causing. For these reasons, this variant has been classified as Pathogenic.

Counsyl
Classification: Likely pathogenic for Bardet-Biedl syndrome 10. Last evaluated: 2016-08-22. Review status: no assertion criteria provided. Collection method: clinical testing. Allele origin: unknown. Not counted in ClinVar's aggregate classification.

Literature cited by the submitters: PubMed 20472660 (cited by Labcorp Genetics (formerly Invitae), Labcorp); PubMed 22773737 (cited by Labcorp Genetics (formerly Invitae), Labcorp); PubMed 25982971 (cited by Labcorp Genetics (formerly Invitae), Labcorp); PubMed 27486776 (cited by Labcorp Genetics (formerly Invitae), Labcorp).

NM_024685.4(BBS10):c.1236_1248del (p.Asp412fs)

Gene: BBS10 (Bardet-Biedl syndrome 10; minus strand). Cytogenetic location: 12q21.2.
Variant type: Deletion.
Coding change: c.1236_1248del on transcript NM_024685.4 (MANE Select); coding-DNA positions 1236 to 1248, 13 bases deleted (TGCTTTACATGGA).
Protein change: p.Asp412fs; shifts the reading frame from aspartic acid 412.
Molecular consequence: frameshift variant.
Genome position (GRCh38, 1-based): chr12:76,346,737-76,346,749, TCCATGTAAAGCA deleted on the plus strand (TGCTTTACATGGA on the coding strand, the reverse complement: BBS10 is on the minus strand); deleting any 13 consecutive bases within chr12:76,346,737-76,346,752 gives the same sequence; the c. name uses the placement nearest the transcript's 3' end. VCF-style (leftmost placement, unchanged base first): chr12-76346736-CTCCATGTAAAGCA-C. GRCh37 (hg19) VCF-style: chr12-76740516-CTCCATGTAAAGCA-C.
Other names: c.1236_1248del, p.Asp412fs (LRG_1255t1); short protein forms D412fs.
Identifiers: ClinVar variation 371290 (VCV000371290.8), dbSNP rs1057517156, ClinGen allele CA16041580.